The following is an entry in ClinVar:

ClinVar aggregate classification (germline): Uncertain significance (1 of 4 stars; one submission).

Conditions:
Inborn genetic diseases. Identifiers: MedGen C0950123, MeSH D030342.

Submission:

Ambry Genetics
Classification: Uncertain significance for Inborn genetic diseases. Last evaluated: 2026-02-24. Review status: criteria provided, single submitter. Criteria: Ambry Variant Classification Scheme 2023. Collection method: clinical testing. Allele origin: germline.
Comment: The c.2281C>G (p.R761G) alteration is located in exon 24 (coding exon 24) of the CASK gene. This alteration results from a C to G substitution at nucleotide position 2281, causing the arginine (R) at amino acid position 761 to be replaced by a glycine (G). Based on data from gnomAD, the G allele has an overall frequency of <0.001% (1/183447) total alleles studied. The highest observed frequency was 0.001% (1/81936) of European (non-Finnish) alleles. Based on insufficient or conflicting evidence, the clinical significance of this alteration remains unclear.

NM_001367721.1(CASK):c.2296C>G (p.Arg766Gly)

Gene: CASK (calcium/calmodulin dependent serine protein kinase; minus strand). Cytogenetic location: Xp11.4.
Variant type: single nucleotide variant.
Coding change: c.2296C>G on transcript NM_001367721.1 (MANE Select); coding-DNA position 2296, C replaced by G.
Protein change: p.Arg766Gly; replaces arginine 766 with glycine.
Molecular consequence: missense variant.
Genome position (GRCh38, 1-based): chrX:41,534,727, G>C on the plus strand (C>G on the coding strand, the complement: CASK is on the minus strand). VCF-style: chrX-41534727-G-C. GRCh37 (hg19) VCF-style: chrX-41393980-G-C.
Other names: c.2212C>G, p.Arg738Gly (NM_001126054.3); c.2209C>G, p.Arg737Gly (NM_001126055.3); c.2278C>G, p.Arg760Gly (NM_001410745.1); c.2281C>G, p.Arg761Gly (NM_003688.4); short protein forms R737G, R738G, R761G, R766G, R760G.
Identifiers: ClinVar variation 4832389 (VCV004832389.1).